The following is an entry in ClinVar:

ClinVar aggregate classification (germline): Uncertain significance. Review status: criteria provided, multiple submitters, no conflicts (2 of 4 stars). 2 submissions from 2 submitters: Uncertain significance (2). Last evaluated 2025-08-26.

Conditions:
Hereditary cancer-predisposing syndrome. Also called: Tumor predisposition; Hereditary Cancer Syndrome; Neoplastic Syndromes, Hereditary; Hereditary neoplastic syndrome. Identifiers: Orphanet 140162, MedGen C0027672, MeSH D009386, MONDO:0015356.
Bloom syndrome (BLM). Also called: Bloom-Torre-Machacek syndrome. Identifiers: Orphanet 125, MedGen C0005859, MONDO:0008876, OMIM 210900.

Allele frequency attached by ClinVar (database versions not stated): TOPMed below 0.00001.

Submissions (2):

Ambry Genetics
Classification: Uncertain significance for Hereditary cancer-predisposing syndrome. Last evaluated: 2025-08-26. Review status: criteria provided, single submitter. Criteria: Ambry Variant Classification Scheme 2023. Collection method: clinical testing. Allele origin: germline.

Labcorp Genetics (formerly Invitae), Labcorp
Classification: Uncertain significance for Bloom syndrome. Last evaluated: 2023-12-01. Review status: criteria provided, single submitter. Criteria: Invitae Variant Classification Sherloc (09022015). Collection method: clinical testing. Allele origin: germline.
Comment: This sequence change replaces glycine, which is neutral and non-polar, with serine, which is neutral and polar, at codon 102 of the BLM protein (p.Gly102Ser). This variant is not present in population databases (gnomAD no frequency). This variant has not been reported in the literature in individuals affected with BLM-related conditions. ClinVar contains an entry for this variant (Variation ID: 822733). An algorithm developed to predict the effect of missense changes on protein structure and function (PolyPhen-2) suggests that this variant is likely to be tolerated. In summary, the available evidence is currently insufficient to determine the role of this variant in disease. Therefore, it has been classified as a Variant of Uncertain Significance.

NM_000057.4(BLM):c.304G>A (p.Gly102Ser)

Gene: BLM (BLM RecQ like helicase; plus strand). Cytogenetic location: 15q26.1.
Variant type: single nucleotide variant.
Coding change: c.304G>A on transcript NM_000057.4 (MANE Select); coding-DNA position 304, G replaced by A.
Protein change: p.Gly102Ser; replaces glycine 102 with serine.
Molecular consequence: missense variant. On other transcripts: 5 prime UTR variant (1).
Genome position (GRCh38, 1-based): chr15:90,749,572, G>A. VCF-style: chr15-90749572-G-A. GRCh37 (hg19) VCF-style: chr15-91292802-G-A.
Other names: c.304G>A, p.Gly102Ser (NM_001287246.2, NM_001287247.2); c.-988G>A (NM_001287248.2); short protein forms G102S.
Identifiers: ClinVar variation 822733 (VCV000822733.9), dbSNP rs1215126785, ClinGen allele CA393840207.